The following is an entry in ClinVar:

ClinVar aggregate classification (germline): Uncertain significance (1 of 4 stars; one submission).

Conditions:
Cardiovascular phenotype. Identifiers: MedGen CN230736.

Submission:

Ambry Genetics
Classification: Uncertain significance for Cardiovascular phenotype. Last evaluated: 2026-09-13. Review status: criteria provided, single submitter. Criteria: Ambry Variant Classification Scheme 2023. Collection method: clinical testing. Allele origin: germline.
Comment: The p.R423S variant (also known as c.1267C>A), located in coding exon 23 of the COL1A2 gene, results from a C to A substitution at nucleotide position 1267. The arginine at codon 423 is replaced by serine, an amino acid with dissimilar properties. This amino acid position is conserved. In addition, this alteration is predicted to be deleterious by in silico analysis. Based on the available evidence, the clinical significance of this variant remains unclear.

NM_000089.4(COL1A2):c.1267C>A (p.Arg423Ser)

Gene: COL1A2 (collagen type I alpha 2 chain; plus strand). Cytogenetic location: 7q21.3.
Variant type: single nucleotide variant.
Coding change: c.1267C>A on transcript NM_000089.4 (MANE Select); coding-DNA position 1267, C replaced by A.
Protein change: p.Arg423Ser; replaces arginine 423 with serine.
Molecular consequence: missense variant.
Genome position (GRCh38, 1-based): chr7:94,411,071, C>A. VCF-style: chr7-94411071-C-A. GRCh37 (hg19) VCF-style: chr7-94040383-C-A.
Other names: short protein forms R423S.
Identifiers: ClinVar variation 5034738 (VCV005034738.1).